The following is an entry in ClinVar:

NM_004360.5(CDH1):c.1566-1G>C

Gene: CDH1 (cadherin 1; plus strand). Cytogenetic location: 16q22.1.
Variant type: single nucleotide variant.
Coding change: c.1566-1G>C on transcript NM_004360.5 (MANE Select); the canonical splice acceptor site of the intron before coding-DNA position 1566, G replaced by C.
Molecular consequence: splice acceptor variant. On other transcripts: intron variant (1).
Genome position (GRCh38, 1-based): chr16:68,819,279, G>C. VCF-style: chr16-68819279-G-C. GRCh37 (hg19) VCF-style: chr16-68853182-G-C.
Other names: c.18-1G>C (NM_001317185.2); c.-254-2722G>C (NM_001317186.2); c.1383-1G>C (NM_001317184.2).
Identifiers: ClinVar variation 481704 (VCV000481704.21), dbSNP rs113583899, ClinGen allele CA283310260.

ClinVar aggregate classification (germline): Uncertain significance. Review status: reviewed by expert panel (3 of 4 stars). 6 submissions from 6 submitters: Uncertain significance (1). 5 of the submissions do not count toward it. Last evaluated 2023-08-21.

Conditions:
CDH1-related diffuse gastric and lobular breast cancer syndrome. Also called: CDH1-related diffuse gastric and lobular breast cancer. Identifiers: MedGen CN311521, MONDO:0100488.
Hereditary diffuse gastric adenocarcinoma (HDGC). Also called: DIFFUSE GASTRIC AND LOBULAR BREAST CANCER SYNDROME. Identifiers: Orphanet 26106, MedGen C1708349, MONDO:0007648, OMIM 137215.
Familial cancer of breast. Also called: hereditary breast carcinoma; Hereditary breast cancer; BREAST CANCER, FAMILIAL. Identifiers: Orphanet 227535, MedGen C0346153, MONDO:0016419, OMIM 114480. Disease mechanism: loss of function.
Hereditary cancer-predisposing syndrome. Also called: Neoplastic Syndromes, Hereditary; Hereditary neoplastic syndrome; Hereditary Cancer Syndrome; Tumor predisposition. Identifiers: Orphanet 140162, MedGen C0027672, MeSH D009386, MONDO:0015356.

Allele frequency attached by ClinVar (database versions not stated): gnomAD exomes below 0.00001; gnomAD 0.00001; TOPMed 0.00001.
gnomAD v4.1: 3 of 1,614,082 alleles (0.00019%); highest among the groups gnomAD compares: Non-Finnish European, 0.00025%; no homozygotes.

Submissions (6):

Clingen Gastric Cancer Variant Curation Expert Panel
Classification: Uncertain significance for CDH1-related diffuse gastric and lobular breast cancer syndrome. Last evaluated: 2023-08-21. Review status: reviewed by expert panel. Criteria: ClinGen CDH1 ACMG Specifications V3.1. Collection method: curation. Allele origin: germline. Inheritance: Autosomal dominant inheritance.
Comment: The c.1566-1G>C variant is a canonical splice variant predicted to result in the use of a cryptic splice site which preserves the reading frame (PVS1_moderate). This variant is absent in the gnomAD v2.1.1 cohort. In the gnomAD v3 it has a frequency of 0.000006978 (1 of 143,302) with a maximum non-founder allele frequency of 0.00001549 (1 of 64,570) in the European non-Finnish subpopulation (PM2_supporting). The variant has been reported in two families meeting clinical criteria for HDGC (PS4_moderate, SCV000666335.2, internal laboratory contributor). In summary, the clinical significance of this variant is classified as of uncertain significance based the ACMG/AMP criteria applied, as specified by the CDH1 Variant Curation Expert Panel (Variant Interpretation Guidelines Version 3.1): PVS1_moderate, PS4_moderate, PM2_supporting.

Ambry Genetics
Classification: Likely pathogenic for Hereditary cancer-predisposing syndrome. Last evaluated: 2026-06-25. Review status: criteria provided, single submitter. Criteria: Ambry Variant Classification Scheme 2023. Collection method: clinical testing. Allele origin: germline. Not counted in ClinVar's aggregate classification.
Comment: The c.1566-1G>C intronic variant results from a G to C substitution one nucleotide upstream from coding exon 11 of the CDH1 gene. This variant is considered to be rare based on population cohorts in the Genome Aggregation Database (gnomAD). This variant was reported in individual(s) with features consistent with CDH1-related diffuse gastric and lobular breast cancer (DGLBC) (Ambry internal data). This nucleotide position is highly conserved in available vertebrate species. In silico splice site analysis predicts that this alteration will weaken the native splice acceptor site and may result in the creation or strengthening of a novel splice acceptor site; however, direct evidence is insufficient at this time (Ambry internal data). Alterations that disrupt the canonical splice site are expected to cause aberrant splicing, resulting in an abnormal protein or a transcript that is subject to nonsense-mediated mRNA decay. As such, this alteration is classified as likely pathogenic.

Baylor Genetics
Classification: Uncertain significance for Familial cancer of breast. Last evaluated: 2024-01-25. Review status: criteria provided, single submitter. Criteria: ACMG Guidelines, 2015. Collection method: clinical testing. Allele origin: unknown. Not counted in ClinVar's aggregate classification.

Labcorp Genetics (formerly Invitae), Labcorp
Classification: Likely pathogenic for Hereditary diffuse gastric adenocarcinoma. Last evaluated: 2023-10-28. Review status: criteria provided, single submitter. Criteria: Invitae Variant Classification Sherloc (09022015). Collection method: clinical testing. Allele origin: germline. Not counted in ClinVar's aggregate classification.
Comment: This sequence change affects an acceptor splice site in intron 10 of the CDH1 gene. It is expected to disrupt RNA splicing. Variants that disrupt the donor or acceptor splice site typically lead to a loss of protein function (PMID: 16199547), and loss-of-function variants in CDH1 are known to be pathogenic (PMID: 15235021, 20373070). This variant is not present in population databases (gnomAD no frequency). Disruption of this splice site has been observed in individual(s) with clinical features of CDH1-related condition (PMID: 34643667). ClinVar contains an entry for this variant (Variation ID: 481704). Studies have shown that disruption of this splice site is associated with inconclusive levels of altered splicing (Invitae). In summary, the currently available evidence indicates that the variant is pathogenic, but additional data are needed to prove that conclusively. Therefore, this variant has been classified as Likely Pathogenic.

Myriad Genetics, Inc.
Classification: Likely pathogenic for Hereditary diffuse gastric adenocarcinoma. Last evaluated: 2023-06-14. Review status: criteria provided, single submitter. Criteria: Myriad Autosomal Dominant, Autosomal Recessive and X-Linked Classification Criteria (2023). Collection method: clinical testing. Allele origin: unknown. Not counted in ClinVar's aggregate classification.
Comment: This variant is considered likely pathogenic. This variant occurs within a consensus splice junction and is predicted to result in abnormal mRNA splicing of either an out-of-frame exon or an in-frame exon necessary for protein stability and/or normal function.

Quest Diagnostics Nichols Institute San Juan Capistrano
Classification: Likely pathogenic. Last evaluated: 2021-07-16. Review status: criteria provided, single submitter. Criteria: Quest Diagnostics criteria. Collection method: clinical testing. Allele origin: unknown. Not counted in ClinVar's aggregate classification.
Comment: This variant is located in a canonical splice-acceptor site and is predicted to interfere with normal CDH1 mRNA splicing. To the best of our knowledge, the variant has not been reported in the published literature. Based on the available information, the variant is predicted to be likely pathogenic.

Literature cited by the submitters: PubMed 16199547 (cited by Labcorp Genetics (formerly Invitae), Labcorp); PubMed 15235021 (cited by Labcorp Genetics (formerly Invitae), Labcorp); PubMed 20373070 (cited by Labcorp Genetics (formerly Invitae), Labcorp); PubMed 34643667 (cited by Labcorp Genetics (formerly Invitae), Labcorp).